The following is an entry in ClinVar:

ClinVar aggregate classification (germline): Uncertain significance (1 of 4 stars; one submission).

Allele frequency attached by ClinVar (database versions not stated): gnomAD exomes below 0.00001.
gnomAD v4.1: 1 of 1,211,746 alleles (0.000083%); highest among the groups gnomAD compares: Non-Finnish European, 0.00011%; no homozygotes.

Submission:

GeneDx
Classification: Uncertain significance. Last evaluated: 2024-09-26. Review status: criteria provided, single submitter. Criteria: GeneDx Variant Classification Process June 2021. Collection method: clinical testing. Allele origin: germline.
Comment: Not observed at significant frequency in large population cohorts (gnomAD); In silico analysis indicates that this missense variant does not alter protein structure/function; Has not been previously published as pathogenic or benign to our knowledge

NM_001379451.1(BCORL1):c.2437A>G (p.Ile813Val)

Gene: BCORL1 (BCL6 corepressor like 1; plus strand). Cytogenetic location: Xq26.1.
Variant type: single nucleotide variant.
Coding change: c.2437A>G on transcript NM_001379451.1 (MANE Select); coding-DNA position 2437, A replaced by G.
Protein change: p.Ile813Val; replaces isoleucine 813 with valine.
Molecular consequence: missense variant.
Genome position (GRCh38, 1-based): chrX:130,015,209, A>G. VCF-style: chrX-130015209-A-G. GRCh37 (hg19) VCF-style: chrX-129149185-A-G.
Other names: c.2437A>G, p.Ile813Val (NM_001184772.3, NM_001379450.1, NM_021946.5); short protein forms I813V.
Identifiers: ClinVar variation 2430884 (VCV002430884.2), dbSNP rs2522674907, ClinGen allele CA414590831.
Genomic context (GRCh38, chrX:130,015,209, plus strand): 5'-GGGCTGCCAGGGTGCCAAACCAAGGAACTCTCTTTGTGGAAACCCACGGGGCCGGCAAAT[A>G]TTTATCCCCGGTGTTCAGTCAATGGGAAACCTACCAGCACCCAGGTCCTGCCTGTTGGCT-3'
Protein context (NP_001366380.1, residues 803-823): SLWKPTGPAN[Ile813Val]YPRCSVNGKP